The following is an entry in ClinVar:

NM_001042631.3(SDHAF1):c.297G>C (p.Arg99Ser)

Genes: SDHAF1 (succinate dehydrogenase complex assembly factor 1; plus strand), LOC130064281 (ATAC-STARR-seq lymphoblastoid silent region 10546; plus strand). Cytogenetic location: 19q13.12.
Variant type: single nucleotide variant.
Coding change: c.297G>C on transcript NM_001042631.3 (MANE Select); coding-DNA position 297, G replaced by C.
Protein change: p.Arg99Ser; replaces arginine 99 with serine.
Molecular consequence: missense variant.
Genome position (GRCh38, 1-based): chr19:35,995,571, G>C. VCF-style: chr19-35995571-G-C. GRCh37 (hg19) VCF-style: chr19-36486473-G-C.
Other names: short protein forms R99S.
Identifiers: ClinVar variation 2405520 (VCV002405520.3), dbSNP rs2514020175, ClinGen allele CA405424511.
Genomic context (GRCh38, chr19:35,995,571, plus strand): 5'-GGCCCCGACCGGGGAGCCTGGCGGCGTGGGTTGCCAGCCTGACGACGGCGACAGTCCAAG[G>C]AACCCCCACGACAGCACGGGGGCACCGGAGACCCGCCCCGACGGACGGTGACAGGCGAAG-3'
Protein context (NP_001036096.2, residues 89-109): GCQPDDGDSP[Arg99Ser]NPHDSTGAPE

ClinVar aggregate classification (germline): Uncertain significance (1 of 4 stars; one submission).

Conditions:
Inborn genetic diseases. Identifiers: MedGen C0950123, MeSH D030342.

Submission:

Ambry Genetics
Classification: Uncertain significance for Inborn genetic diseases. Last evaluated: 2026-07-04. Review status: criteria provided, single submitter. Criteria: Ambry Variant Classification Scheme 2023. Collection method: clinical testing. Allele origin: germline.
Comment: The p.R99S variant (also known as c.297G>C), located in coding exon 1 of the SDHAF1 gene, results from a G to C substitution at nucleotide position 297. The arginine at codon 99 is replaced by serine, an amino acid with dissimilar properties. This amino acid position is conserved. In addition, this alteration is predicted to be tolerated by in silico analysis. Based on the available evidence, the clinical significance of this variant remains unclear.